The following is an entry in ClinVar:

NM_024426.6(WT1):c.1315C>T (p.Arg439Cys)

Gene: WT1 (WT1 transcription factor; minus strand). Cytogenetic location: 11p13.
Variant type: single nucleotide variant.
Coding change: c.1315C>T on transcript NM_024426.6 (MANE Select); coding-DNA position 1315, C replaced by T.
Protein change: p.Arg439Cys; replaces arginine 439 with cysteine.
Molecular consequence: missense variant. On other transcripts: non-coding transcript variant (1).
Genome position (GRCh38, 1-based): chr11:32,392,705, G>A on the plus strand (C>T on the coding strand, the complement: WT1 is on the minus strand). VCF-style: chr11-32392705-G-A. GRCh37 (hg19) VCF-style: chr11-32414251-G-A.
Other names: R366C; c.1264C>T, p.Arg422Cys (NM_000378.6, NM_001407045.1, NM_001407049.1); c.664C>T, p.Arg222Cys (NM_001198551.2); c.613C>T, p.Arg205Cys (NM_001198552.2); c.127C>T, p.Arg43Cys (NM_001367854.1); c.1309C>T, p.Arg437Cys (NM_001407044.1); c.1315C>T, p.Arg439Cys (NM_001407046.1, NM_024424.5); c.1192C>T, p.Arg398Cys (NM_001407047.1); and 3 more; short protein forms R222C, R422C, R205C, R439C, R43C, R381C, R398C, R185C.
Identifiers: ClinVar variation 3505 (VCV000003505.11), dbSNP rs121907910, ClinGen allele CA016279.

ClinVar aggregate classification (germline): Pathogenic. Review status: criteria provided, multiple submitters, no conflicts (2 of 4 stars). 6 submissions from 6 submitters: Pathogenic (5). 1 of the submissions does not count toward it. Last evaluated 2024-03-07.

Conditions:
WT1-related disorder. Also called: WT1-related disorders. Identifiers: MedGen CN377814.
Drash syndrome (DDS). Also called: NEPHROPATHY, WILMS TUMOR, AND GENITAL ANOMALIES; WILMS TUMOR AND PSEUDO- OR TRUE HERMAPHRODITISM. Identifiers: Orphanet 220, MedGen C0950121, MONDO:0008682, OMIM 194080.
Wilms tumor 1 (WT1). Also called: Wilms tumor, somatic. Identifiers: Orphanet 654, MedGen CN033288, MONDO:0008679, OMIM 194070.
11p partial monosomy syndrome (WAGR). Also called: CHROMOSOME 11p13 DELETION SYNDROME; WAGR Complex; WAGR syndrome; WAGR Spectrum Disorder. Identifiers: Orphanet 893, MedGen C0206115, MONDO:0008681, OMIM 194072.
Frasier syndrome. Identifiers: Orphanet 347, MedGen C0950122, MeSH D052159, MONDO:0007635, OMIM 136680.
Nephrotic syndrome, type 4 (NPHS4). Also called: Familial mesangial sclerosis; Nephrotic syndrome, early onset with diffuse mesangial sclerosis. Identifiers: Orphanet 656, MedGen C3151568, MONDO:0009733, OMIM 256370.
Meacham syndrome. Also called: Meacham Winn Culler syndrome. Identifiers: Orphanet 3097, MedGen C1837026, MONDO:0012164, OMIM 608978.

Submissions (6):

3billion
Classification: Pathogenic for Nephrotic syndrome, type 4. Last evaluated: 2024-03-07. Review status: criteria provided, single submitter. Criteria: ACMG Guidelines, 2015. Collection method: clinical testing. Allele origin: germline. Affected: yes.
Comment: The variant is not observed in the gnomAD v2.1.1 dataset. Predicted Consequence/Location: The variant is located in a mutational hot spot and/or well-established functional domain in which established pathogenic variants have been reported (PMID: 34386660). In silico tool predictions suggest damaging effect of the variant on gene or gene product [REVEL: 0.60 (>=0.6, sensitivity 0.68 and specificity 0.92)]. Same nucleotide change resulting in same amino acid change has been previously reported as pathogenic/likely pathogenic with strong evidence (ClinVar ID: VCV000003505 /PMID: 9529364). Different missense changes at the same codon (p.Arg439His, p.Arg439Leu, p.Arg439Pro) have been reported as pathogenic/likely pathogenic with strong evidence (ClinVar ID: VCV000003488 /PMID: 1655284, 21614510, 8741319). Therefore, this variant is classified as Pathogenic according to the recommendation of ACMG/AMP guideline.

Labcorp Genetics (formerly Invitae), Labcorp
Classification: Pathogenic for Wilms tumor 1; Drash syndrome; 11p partial monosomy syndrome; Frasier syndrome. Last evaluated: 2024-03-05. Review status: criteria provided, single submitter. Criteria: Invitae Variant Classification Sherloc (09022015). Collection method: clinical testing. Allele origin: germline.
Comment: This sequence change replaces arginine, which is basic and polar, with cysteine, which is neutral and slightly polar, at codon 434 of the WT1 protein (p.Arg434Cys). This variant is not present in population databases (gnomAD no frequency). This missense change has been observed in individuals with nephrotic syndrome and disorders of sex development (PMID: 9529364, 27300205, 30963316; Invitae). This variant is also known as c.1096C>T (p.Arg366Cys). ClinVar contains an entry for this variant (Variation ID: 3505). An algorithm developed to predict the effect of missense changes on protein structure and function (PolyPhen-2) suggests that this variant is likely to be disruptive. Experimental studies have shown that this missense change affects WT1 function (PMID: 7795587, 22172722). For these reasons, this variant has been classified as Pathogenic.

Athena Diagnostics
Classification: Pathogenic. Last evaluated: 2020-06-18. Review status: criteria provided, single submitter. Criteria: Athena Diagnostics Criteria. Collection method: clinical testing. Allele origin: unknown.
Comment: Not found in the total gnomAD dataset, and the data is high quality. One other pathogenic or likely pathogenic variant affects the same amino acid. Found in multiple individuals with expected phenotype for this gene. Assessment of experimental evidence suggests this variant results in abnormal protein function.

Revvity Omics, Revvity
Classification: Pathogenic. Last evaluated: 2019-03-31. Review status: criteria provided, single submitter. Criteria: ACMG Guidelines, 2015. Collection method: clinical testing. Allele origin: germline.

Blueprint Genetics
Classification: Pathogenic for WT1-related disorders. Last evaluated: 2018-10-17. Review status: criteria provided, single submitter. Criteria: ACMG Guidelines, 2015. Collection method: clinical testing. Allele origin: germline. Affected: yes. Observed: 1 variant allele.

OMIM
Classification: Pathogenic for MEACHAM SYNDROME. Last evaluated: 2007-10-01. Review status: no assertion criteria provided. Collection method: literature only. Allele origin: germline. Not counted in ClinVar's aggregate classification.

Literature cited by the submitters: PubMed 34386660 (cited by 3billion); PubMed 1655284 (cited by 3billion); PubMed 9529364 (cited by 3 submitters); PubMed 27300205 (cited by Labcorp Genetics (formerly Invitae), Labcorp and Athena Diagnostics); PubMed 30963316 (cited by Labcorp Genetics (formerly Invitae), Labcorp and Athena Diagnostics); PubMed 7795587 (cited by Labcorp Genetics (formerly Invitae), Labcorp and Athena Diagnostics); PubMed 22172722 (cited by Labcorp Genetics (formerly Invitae), Labcorp and Athena Diagnostics); PubMed 1317572 (cited by Athena Diagnostics); PubMed 15150775 (cited by Athena Diagnostics); PubMed 17853480 (cited by Athena Diagnostics and OMIM); PubMed 8810912 (cited by Athena Diagnostics); PubMed 23325811 (cited by Athena Diagnostics); PubMed 9916932 (cited by Athena Diagnostics); PubMed 23497137 (cited by Athena Diagnostics); PubMed 22099579 (cited by Athena Diagnostics); PubMed 23562652 (cited by Athena Diagnostics); PubMed 25818337 (cited by Athena Diagnostics); PubMed 27013732 (cited by Athena Diagnostics); PubMed 29474669 (cited by Athena Diagnostics); PubMed 31937884 (cited by Athena Diagnostics).